The following is an entry in ClinVar:

ClinVar aggregate classification (germline): Conflicting classifications of pathogenicity. Review status: criteria provided, conflicting classifications (1 of 4 stars). 2 submissions from 1 submitter: Pathogenic (1); Uncertain significance (1). Last evaluated 2022-10-24.

Conditions:
Microphthalmia, syndromic 12 (MCOPS12). Also called: MICROPHTHALMIA WITH OR WITHOUT PULMONARY HYPOPLASIA, DIAPHRAGMATIC HERNIA, AND/OR CARDIAC DEFECTS. Identifiers: Orphanet 2470, Orphanet 689829, MedGen C3809803, MONDO:0014229, OMIM 615524.
Congenital disorder of deglycosylation (CDDG). Identifiers: MedGen C3808991, MONDO:0031376.

Submissions (2):

Labcorp Genetics (formerly Invitae), Labcorp
Classification: Uncertain significance for Microphthalmia, syndromic 12. Last evaluated: 2022-10-24. Review status: criteria provided, single submitter. Criteria: Invitae Variant Classification Sherloc (09022015). Collection method: clinical testing. Allele origin: germline.
Comment: In summary, the available evidence is currently insufficient to determine the role of this variant in disease. Therefore, it has been classified as a Variant of Uncertain Significance. This variant has not been reported in the literature in individuals affected with RARB-related conditions. A gross deletion of the genomic region encompassing the full coding sequence of the RARB gene has been identified. The current clinical and genetic evidence is not sufficient to establish whether loss-of-function variants in RARB cause disease. The boundaries of this event are unknown as they extend beyond the assayed region for this gene and therefore may encompass additional genes.

Labcorp Genetics (formerly Invitae), Labcorp
Classification: Pathogenic for Congenital disorder of deglycosylation. Last evaluated: 2022-10-24. Review status: criteria provided, single submitter. Criteria: Invitae Variant Classification Sherloc (09022015). Collection method: clinical testing. Allele origin: germline.
Comment: A gross deletion of the genomic region encompassing the full coding sequence of the NGLY1 gene has been identified. Loss-of-function variants in NGLY1 are known to be pathogenic (PMID: 24651605). The boundaries of this event are unknown as they extend beyond the assayed region for this gene and therefore may encompass additional genes. This variant has not been reported in the literature in individuals affected with NGLY1-related conditions. For these reasons, this variant has been classified as Pathogenic.

Literature cited by the submitters: PubMed 24651605.

NC_000003.11:g.(?_25470223)_(25824881_?)del

Genes: NGLY1 (N-glycanase 1; minus strand), RARB (retinoic acid receptor beta; plus strand), TOP2B (DNA topoisomerase II beta; minus strand). Cytogenetic location: 3p24.2.
Variant type: Deletion.
Identifiers: ClinVar variation 2423443 (VCV002423443.6).